The following is an entry in ClinVar:

NM_004371.4(COPA):c.1607A>G (p.Asp536Gly)

Gene: COPA (coat protein complex I subunit alpha; minus strand). Cytogenetic location: 1q23.2.
Variant type: single nucleotide variant.
Coding change: c.1607A>G on transcript NM_004371.4 (MANE Select); coding-DNA position 1607, A replaced by G.
Protein change: p.Asp536Gly; replaces aspartic acid 536 with glycine.
Molecular consequence: missense variant.
Genome position (GRCh38, 1-based): chr1:160,305,493, T>C on the plus strand (A>G on the coding strand, the complement: COPA is on the minus strand). VCF-style: chr1-160305493-T-C. GRCh37 (hg19) VCF-style: chr1-160275283-T-C.
Other names: c.1634A>G, p.Asp545Gly (NM_001098398.2); short protein forms D545G, D536G.
Identifiers: ClinVar variation 3663750 (VCV003663750.2).

ClinVar aggregate classification (germline): Uncertain significance (1 of 4 stars; one submission).

Conditions:
Autoimmune interstitial lung disease-arthritis syndrome. Also called: Autoinflammation and autoimmunity, systemic, with immune dysregulation. Identifiers: Orphanet 444092, MedGen C5975714, MONDO:0014629.

Submission:

Labcorp Genetics (formerly Invitae), Labcorp
Classification: Uncertain significance for Autoimmune interstitial lung disease-arthritis syndrome. Last evaluated: 2024-08-28. Review status: criteria provided, single submitter. Criteria: Invitae Variant Classification Sherloc (09022015). Collection method: clinical testing. Allele origin: germline.
Comment: This sequence change replaces aspartic acid, which is acidic and polar, with glycine, which is neutral and non-polar, at codon 536 of the COPA protein (p.Asp536Gly). This variant is not present in population databases (gnomAD no frequency). This variant has not been reported in the literature in individuals affected with COPA-related conditions. Invitae Evidence Modeling of protein sequence and biophysical properties (such as structural, functional, and spatial information, amino acid conservation, physicochemical variation, residue mobility, and thermodynamic stability) has been performed for this missense variant. However, the output from this modeling did not meet the statistical confidence thresholds required to predict the impact of this variant on COPA protein function. In summary, the available evidence is currently insufficient to determine the role of this variant in disease. Therefore, it has been classified as a Variant of Uncertain Significance.